The following is an entry in ClinVar:

NM_007194.4(CHEK2):c.392A>T (p.Lys131Ile)

Gene: CHEK2 (checkpoint kinase 2; minus strand). Cytogenetic location: 22q12.1.
Variant type: single nucleotide variant.
Coding change: c.392A>T on transcript NM_007194.4 (MANE Select); coding-DNA position 392, A replaced by T.
Protein change: p.Lys131Ile; replaces lysine 131 with isoleucine.
Molecular consequence: missense variant.
Genome position (GRCh38, 1-based): chr22:28,725,295, T>A on the plus strand (A>T on the coding strand, the complement: CHEK2 is on the minus strand). VCF-style: chr22-28725295-T-A. GRCh37 (hg19) VCF-style: chr22-29121283-T-A.
Other names: c.521A>T, p.Lys174Ile (NM_001005735.3); c.-386A>T (NM_001257387.3); c.392A>T, p.Lys131Ile (NM_001349956.3, NM_145862.3); short protein forms K131I, K174I.
Identifiers: ClinVar variation 922179 (VCV000922179.4), dbSNP rs1569158689, ClinGen allele CA411108037.

ClinVar aggregate classification (germline): Uncertain significance. Review status: criteria provided, multiple submitters, no conflicts (2 of 4 stars). 3 submissions from 3 submitters: Uncertain significance (3). Last evaluated 2025-07-15.

Conditions:
Hereditary cancer-predisposing syndrome. Also called: Neoplastic Syndromes, Hereditary; Tumor predisposition; Hereditary Cancer Syndrome; Hereditary neoplastic syndrome. Identifiers: Orphanet 140162, MedGen C0027672, MeSH D009386, MONDO:0015356.

Submissions (3):

Ambry Genetics
Classification: Uncertain significance for Hereditary cancer-predisposing syndrome. Last evaluated: 2025-07-15. Review status: criteria provided, single submitter. Criteria: Ambry Variant Classification Scheme 2023. Collection method: clinical testing. Allele origin: germline.
Comment: The p.K131I variant (also known as c.392A>T), located in coding exon 2 of the CHEK2 gene, results from an A to T substitution at nucleotide position 392. The lysine at codon 131 is replaced by isoleucine, an amino acid with dissimilar properties. This amino acid position is not well conserved in available vertebrate species. In addition, the in silico prediction for this alteration is inconclusive. Based on the available evidence, the clinical significance of this variant remains unclear.

GeneDx
Classification: Uncertain significance. Last evaluated: 2025-03-14. Review status: criteria provided, single submitter. Criteria: GeneDx Variant Classification Process June 2021. Collection method: clinical testing. Allele origin: germline. Affected: yes.
Comment: Not observed at significant frequency in large population cohorts (gnomAD); In silico analysis supports that this missense variant has a deleterious effect on protein structure/function; Has not been previously published as pathogenic or benign to our knowledge; This variant is associated with the following publications: (PMID: 19782031, 22419737)

Color Diagnostics, LLC DBA Color Health
Classification: Uncertain significance for Hereditary cancer-predisposing syndrome. Last evaluated: 2018-11-19. Review status: criteria provided, single submitter. Criteria: ACMG Guidelines, 2015. Collection method: clinical testing. Allele origin: germline.